The following is an entry in ClinVar:

ClinVar aggregate classification (germline): Uncertain significance. Review status: criteria provided, multiple submitters, no conflicts (2 of 4 stars). 2 submissions from 2 submitters: Uncertain significance (2). Last evaluated 2025-12-09.

Conditions:
PLXNA1-related disorder. Also called: PLXNA1-related condition.

Allele frequency attached by ClinVar (database versions not stated): ExAC 0.00001; gnomAD exomes 0.00001; gnomAD 0.00008; TOPMed 0.00012.
gnomAD v4.1: 20 of 1,612,152 alleles (0.0012%); highest among the groups gnomAD compares: African/African-American, 0.025%; no homozygotes.

Submissions (2):

PreventionGenetics, part of Exact Sciences
Classification: Uncertain significance for PLXNA1-related condition. Last evaluated: 2025-12-09. Review status: criteria provided, single submitter. Criteria: ACMG Guidelines, 2015. Collection method: clinical testing. Allele origin: germline.
Comment: The PLXNA1 c.1478G>A variant is predicted to result in the amino acid substitution p.Ser493Asn. To our knowledge, this variant has not been reported in the literature. This variant is reported in 0.025% of alleles in individuals of African descent in gnomAD. At this time, the clinical significance of this variant is uncertain due to the absence of conclusive functional and genetic evidence.

Ambry Genetics
Classification: Uncertain significance. Last evaluated: 2024-08-15. Review status: criteria provided, single submitter. Criteria: Ambry Variant Classification Scheme 2023. Collection method: clinical testing. Allele origin: germline.

NM_032242.4(PLXNA1):c.1478G>A (p.Ser493Asn)

Gene: PLXNA1 (plexin A1; plus strand). Cytogenetic location: 3q21.3.
Variant type: single nucleotide variant.
Coding change: c.1478G>A on transcript NM_032242.4 (MANE Select); coding-DNA position 1478, G replaced by A.
Protein change: p.Ser493Asn; replaces serine 493 with asparagine.
Molecular consequence: missense variant.
Genome position (GRCh38, 1-based): chr3:127,003,430, G>A. VCF-style: chr3-127003430-G-A. GRCh37 (hg19) VCF-style: chr3-126722273-G-A.
Other names: short protein forms S493N.
Identifiers: ClinVar variation 2636671 (VCV002636671.5), dbSNP rs750934247, ClinGen allele CA2593256.